The following is an entry in ClinVar:

NM_003718.5(CDK13):c.1389_1424del (p.Ala465_Ala476del)

Gene: CDK13 (cyclin dependent kinase 13; plus strand). Cytogenetic location: 7p14.1.
Variant type: Deletion.
Coding change: c.1389_1424del on transcript NM_003718.5 (MANE Select); coding-DNA positions 1389 to 1424, 36 bases deleted.
Protein change: p.Ala465_Ala476del.
Molecular consequence: inframe indel (on NM_031267.4).
Genome position (GRCh38, 1-based): chr7:39,987,776-39,987,811, 36 bases deleted; deleting any 36 consecutive bases within chr7:39,987,771-39,987,811 gives the same sequence; the c. name uses the placement nearest the transcript's 3' end. GRCh37 (hg19): chr7:40,027,375-40,027,410.
Other names: c.1389_1424del36, p.Ala465_Ala476del (NM_031267.4).
Identifiers: ClinVar variation 1695454 (VCV001695454.2), dbSNP rs2116264137, ClinGen allele CA2580077098.

ClinVar aggregate classification (germline): Uncertain significance (1 of 4 stars; one submission).

Submission:

GeneDx
Classification: Uncertain significance. Last evaluated: 2022-07-07. Review status: criteria provided, single submitter. Criteria: GeneDx Variant Classification Process June 2021. Collection method: clinical testing. Allele origin: germline. Affected: yes.
Comment: Not observed at significant frequency in large population cohorts (gnomAD); In-frame deletion of 12 amino acids in a non-repeat region; In silico analysis supports a deleterious effect on protein structure/function; Has not been previously published as pathogenic or benign to our knowledge